The following is an entry in ClinVar:

ClinVar aggregate classification (germline): Uncertain significance (1 of 4 stars; one submission).

Submission:

GeneDx
Classification: Uncertain significance. Last evaluated: 2023-12-26. Review status: criteria provided, single submitter. Criteria: GeneDx Variant Classification Process June 2021. Collection method: clinical testing. Allele origin: germline. Affected: yes.
Comment: Not observed at significant frequency in large population cohorts (gnomAD); In silico analysis supports that this missense variant has a deleterious effect on protein structure/function; Has not been previously published as pathogenic or benign to our knowledge

NM_006828.4(ASCC3):c.4641G>C (p.Gln1547His)

Gene: ASCC3 (activating signal cointegrator 1 complex subunit 3; minus strand). Cytogenetic location: 6q16.3.
Variant type: single nucleotide variant.
Coding change: c.4641G>C on transcript NM_006828.4 (MANE Select); coding-DNA position 4641, G replaced by C.
Protein change: p.Gln1547His; replaces glutamine 1547 with histidine.
Molecular consequence: missense variant.
Genome position (GRCh38, 1-based): chr6:100,627,591, C>G on the plus strand (G>C on the coding strand, the complement: ASCC3 is on the minus strand). VCF-style: chr6-100627591-C-G. GRCh37 (hg19) VCF-style: chr6-101075467-C-G.
Other names: short protein forms Q1547H.
Identifiers: ClinVar variation 3365805 (VCV003365805.1).